The following is an entry in ClinVar:

ClinVar aggregate classification (germline): Uncertain significance. Review status: criteria provided, multiple submitters, no conflicts (2 of 4 stars). 2 submissions from 2 submitters: Uncertain significance (2). Last evaluated 2024-07-17.

Conditions:
Inborn genetic diseases. Identifiers: MedGen C0950123, MeSH D030342.

gnomAD v4.1: 3 of 1,613,798 alleles (0.00019%); highest among the groups gnomAD compares: Non-Finnish European, 0.00017%; no homozygotes.

Submissions (2):

Mayo Clinic Laboratories, Mayo Clinic
Classification: Uncertain significance. Last evaluated: 2024-07-17. Review status: criteria provided, single submitter. Criteria: ACMG Guidelines, 2015. Collection method: clinical testing. Allele origin: germline. Observed: 1 variant allele.
Comment: BP4, PM2

Ambry Genetics
Classification: Uncertain significance for Inborn genetic diseases. Last evaluated: 2024-06-07. Review status: criteria provided, single submitter. Criteria: Ambry Variant Classification Scheme 2023. Collection method: clinical testing. Allele origin: germline.

NM_001364905.1(LRBA):c.4760C>T (p.Thr1587Ile)

Gene: LRBA (LPS responsive beige-like anchor protein; minus strand). Cytogenetic location: 4q31.3.
Variant type: single nucleotide variant.
Coding change: c.4760C>T on transcript NM_001364905.1 (MANE Select); coding-DNA position 4760, C replaced by T.
Protein change: p.Thr1587Ile; replaces threonine 1587 with isoleucine.
Molecular consequence: missense variant.
Genome position (GRCh38, 1-based): chr4:150,828,591, G>A on the plus strand (C>T on the coding strand, the complement: LRBA is on the minus strand). VCF-style: chr4-150828591-G-A. GRCh37 (hg19) VCF-style: chr4-151749743-G-A.
Other names: p.Thr1587Ile; c.4760C>T, p.Thr1587Ile (NM_001199282.3, NM_001367550.1, NM_006726.5); short protein forms T1587I.
Identifiers: ClinVar variation 3291221 (VCV003291221.2).
Genomic context (GRCh38, chr4:150,828,591, plus strand): 5'-ATGCCTGAGTCCCTCCTTCGAGCAGATGATGTGCTTTCAGATTCTTCCACTGATGCCGTA[G>A]TTAAAGTGCTGAATGCTGCTGGTGTGATTTCTATATCATACCCAGAAACACAAGAAATAA-3'
Protein context (NP_001351834.1, residues 1577-1597): EITPAAFSTL[Thr1587Ile]TASVEESEST